The following is an entry in ClinVar:

ClinVar aggregate classification (germline): Pathogenic (1 of 4 stars; one submission).

Submission:

Labcorp Genetics (formerly Invitae), Labcorp
Classification: Pathogenic. Last evaluated: 2022-05-12. Review status: criteria provided, single submitter. Criteria: Invitae Variant Classification Sherloc (09022015). Collection method: clinical testing. Allele origin: germline.
Comment: This sequence change creates a premature translational stop signal (p.Glu830Glyfs*77) in the POLE gene. It is expected to result in an absent or disrupted protein product. Loss-of-function variants in POLE are known to be pathogenic (PMID: 23230001, 25948378, 30503519). This variant is not present in population databases (gnomAD no frequency). This variant has not been reported in the literature in individuals affected with POLE-related conditions. ClinVar contains an entry for this variant (Variation ID: 952424). Algorithms developed to predict the effect of sequence changes on RNA splicing suggest that this variant may create or strengthen a splice site. For these reasons, this variant has been classified as Pathogenic.

Literature cited by the submitters: PubMed 23230001; PubMed 25948378; PubMed 30503519.

NM_006231.4(POLE):c.2489_2493del (p.Glu830fs)

Gene: POLE (DNA polymerase epsilon, catalytic subunit; minus strand). Cytogenetic location: 12q24.33.
Variant type: Deletion.
Coding change: c.2489_2493del on transcript NM_006231.4 (MANE Select); coding-DNA positions 2489 to 2493, 5 bases deleted (AGATG; older notation c.2489_2493delAGATG).
Protein change: p.Glu830fs; shifts the reading frame from glutamic acid 830.
Molecular consequence: frameshift variant.
Genome position (GRCh38, 1-based): chr12:132,664,438-132,664,442, CATCT deleted on the plus strand (AGATG on the coding strand, the reverse complement: POLE is on the minus strand); deleting any 5 consecutive bases within chr12:132,664,438-132,664,443 gives the same sequence; the c. name uses the placement nearest the transcript's 3' end. VCF-style (leftmost placement, unchanged base first): chr12-132664437-CCATCT-C. GRCh37 (hg19) VCF-style: chr12-133241023-CCATCT-C.
Other names: short protein forms E830fs.
Identifiers: ClinVar variation 952424 (VCV000952424.9), dbSNP rs2042746920, ClinGen allele CA1139662980.
Genomic context (GRCh38, chr12:132,664,437, plus strand): 5'-GCTCGATCAGCTCCCGTGCCTGGGTGATGATGTTGGCCCCTGTGAAGCAGACGATGCCAG[CCATCT>C]CCATGGAGTACCAGCGAGCCCTGAGAGGACACCACAAACTGGTGGGTGGGGCTGGCATGG-3'